The following is an entry in ClinVar:

ClinVar aggregate classification (germline): Pathogenic/Likely pathogenic. Review status: criteria provided, multiple submitters, no conflicts (2 of 4 stars). 5 submissions from 5 submitters: Pathogenic (2); Likely pathogenic (3). Last evaluated 2026-03-18.

Conditions:
Retinitis pigmentosa 25 (RP25). Identifiers: Orphanet 791, MedGen C1864446, MONDO:0011272, OMIM 602772.
EYS-related disorder. Also called: EYS-related condition.

Allele frequency attached by ClinVar (database versions not stated): gnomAD exomes below 0.00001; TOPMed below 0.00001.
gnomAD v4.1: 1 of 1,514,870 alleles (0.000066%); highest among the groups gnomAD compares: Non-Finnish European, 0.000088%; no homozygotes.

Submissions (5):

PreventionGenetics, part of Exact Sciences
Classification: Likely pathogenic for EYS-related condition. Last evaluated: 2026-03-18. Review status: criteria provided, single submitter. Criteria: ACMG Guidelines, 2015. Collection method: clinical testing. Allele origin: germline.
Comment: The EYS c.3874C>T variant is predicted to result in premature protein termination (p.Gln1292*). To our knowledge, this variant has not been reported in the literature or in a large population database (gnomAD), indicating this variant is rare. Nonsense variants in EYS are expected to be pathogenic. This variant is interpreted as likely pathogenic.

Natera, Inc.
Classification: Likely pathogenic for Retinitis pigmentosa type 25. Last evaluated: 2025-09-15. Review status: criteria provided, single submitter. Criteria: Natera Variant Classification Schema (03/2026). Collection method: clinical testing. Allele origin: germline.
Comment: The c.3874C>T variant in EYS is a nonsense variant predicted to introduce a stop codon at amino acid 1292. This variant is expected to result in nonsense mediated decay, truncation, or a dysfunctional protein product. This variant is rare in the general population with a frequency below the threshold expected for the associated phenotype(s). Given the available evidence, this variant is classified as Likely Pathogenic.

Baylor Genetics
Classification: Likely pathogenic for Retinitis pigmentosa 25. Last evaluated: 2023-12-21. Review status: criteria provided, single submitter. Criteria: ACMG Guidelines, 2015. Collection method: clinical testing. Allele origin: unknown.

Labcorp Genetics (formerly Invitae), Labcorp
Classification: Pathogenic. Last evaluated: 2022-07-21. Review status: criteria provided, single submitter. Criteria: Invitae Variant Classification Sherloc (09022015). Collection method: clinical testing. Allele origin: germline.
Comment: For these reasons, this variant has been classified as Pathogenic. This variant has not been reported in the literature in individuals affected with EYS-related conditions. This variant is not present in population databases (gnomAD no frequency). This sequence change creates a premature translational stop signal (p.Gln1292*) in the EYS gene. It is expected to result in an absent or disrupted protein product. Loss-of-function variants in EYS are known to be pathogenic (PMID: 18836446, 20333770).

Clinical Genetics Service, Universitary Hospital 12 de Octubre
Classification: Pathogenic for Retinitis pigmentosa 25. Review status: criteria provided, single submitter. Criteria: ACMG Guidelines, 2015. Collection method: clinical testing. Allele origin: germline. Affected: yes.

Literature cited by the submitters: PubMed 18836446 (cited by Labcorp Genetics (formerly Invitae), Labcorp); PubMed 20333770 (cited by Labcorp Genetics (formerly Invitae), Labcorp).

NM_001142800.2(EYS):c.3874C>T (p.Gln1292Ter)

Gene: EYS (EGF-like photoreceptor maintenance factor; minus strand). Cytogenetic location: 6q12.
Variant type: single nucleotide variant.
Coding change: c.3874C>T on transcript NM_001142800.2 (MANE Select); coding-DNA position 3874, C replaced by T.
Protein change: p.Gln1292Ter; replaces glutamine 1292 with a stop codon.
Molecular consequence: nonsense.
Genome position (GRCh38, 1-based): chr6:64,593,120, G>A on the plus strand (C>T on the coding strand, the complement: EYS is on the minus strand). VCF-style: chr6-64593120-G-A. GRCh37 (hg19) VCF-style: chr6-65303013-G-A.
Other names: c.3874C>T, p.Gln1292Ter (NM_001292009.2); c.3874C>T (NM_001142800.1); short protein forms Q1292*.
Identifiers: ClinVar variation 2183834 (VCV002183834.9), dbSNP rs1766462821, ClinGen allele CA364784540.